The following is an entry in ClinVar:

NM_001242896.3(DEPDC5):c.4156A>C (p.Ile1386Leu)

Gene: DEPDC5 (DEP domain containing 5, GATOR1 subcomplex subunit; plus strand). Cytogenetic location: 22q12.3.
Variant type: single nucleotide variant.
Coding change: c.4156A>C on transcript NM_001242896.3 (MANE Select); coding-DNA position 4156, A replaced by C.
Protein change: p.Ile1386Leu; replaces isoleucine 1386 with leucine.
Molecular consequence: missense variant. On other transcripts: non-coding transcript variant (5).
Genome position (GRCh38, 1-based): chr22:31,893,704, A>C. VCF-style: chr22-31893704-A-C. GRCh37 (hg19) VCF-style: chr22-32289690-A-C.
Other names: c.4129A>C, p.Ile1377Leu (NM_001136029.4); c.3856A>C, p.Ile1286Leu (NM_001242897.2); c.4090A>C, p.Ile1364Leu (NM_001363852.2, NM_001364320.2); c.3922A>C, p.Ile1308Leu (NM_001363854.2, NM_001364319.2); c.4156A>C, p.Ile1386Leu (NM_001364318.2); c.4072A>C, p.Ile1358Leu (NM_001369901.1, NM_001369902.1); c.4063A>C, p.Ile1355Leu (NM_001369903.1, NM_014662.6); short protein forms I1286L, I1386L, I1358L, I1377L, I1308L, I1355L, I1364L.
Identifiers: ClinVar variation 534785 (VCV000534785.16), dbSNP rs1555930038, ClinGen allele CA411287233.
Genomic context (GRCh38, chr22:31,893,704, plus strand): 5'-CGGCTGGAGTGGTGCAGCTGTTATTACCATGGCAACTTTTCTCTGAATGCAGCCTTTGAG[A>C]TCAAGCTGCACTGGATGGCGGTGACCGCAGCAGTACTCTTCGAGATGGTGAGAACCTTCA-3'
Protein context (NP_001229825.1, residues 1376-1396): GNFSLNAAFE[Ile1386Leu]KLHWMAVTAA

ClinVar aggregate classification (germline): Uncertain significance. Review status: criteria provided, multiple submitters, no conflicts (2 of 4 stars). 4 submissions from 4 submitters: Uncertain significance (4). Last evaluated 2025-06-23.

Conditions:
Epilepsy, familial focal, with variable foci 1 (FFEVF1). Also called: DEPDC5-Related Epilepsy. Identifiers: MedGen C4551983, MONDO:0024556, OMIM 604364.
Inborn genetic diseases. Identifiers: MedGen C0950123, MeSH D030342.
Familial focal epilepsy with variable foci (FPEVF). Identifiers: Orphanet 98820, MedGen C1858477, MONDO:0020310.

Allele frequency attached by ClinVar (database versions not stated): gnomAD exomes below 0.00001; TOPMed below 0.00001.

Submissions (4):

Labcorp Genetics (formerly Invitae), Labcorp
Classification: Uncertain significance for Familial focal epilepsy with variable foci. Last evaluated: 2025-06-23. Review status: criteria provided, single submitter. Criteria: Invitae Variant Classification Sherloc (09022015). Collection method: clinical testing. Allele origin: germline.
Comment: This sequence change replaces isoleucine, which is neutral and non-polar, with leucine, which is neutral and non-polar, at codon 1386 of the DEPDC5 protein (p.Ile1386Leu). This variant is not present in population databases (gnomAD no frequency). This variant has not been reported in the literature in individuals affected with DEPDC5-related conditions. ClinVar contains an entry for this variant (Variation ID: 534785). Experimental studies and prediction algorithms are not available or were not evaluated, and the functional significance of this variant is currently unknown. In summary, the available evidence is currently insufficient to determine the role of this variant in disease. Therefore, it has been classified as a Variant of Uncertain Significance.

Blueprint Genetics
Classification: Uncertain significance. Last evaluated: 2022-01-27. Review status: criteria provided, single submitter. Criteria: ACMG Guidelines, 2015. Collection method: clinical testing. Allele origin: germline.

Ambry Genetics
Classification: Uncertain significance for Inborn genetic diseases. Last evaluated: 2021-09-16. Review status: criteria provided, single submitter. Criteria: Ambry Variant Classification Scheme 2023. Collection method: clinical testing. Allele origin: germline.

Fulgent Genetics
Classification: Uncertain significance for Epilepsy, familial focal, with variable foci 1. Last evaluated: 2018-10-31. Review status: criteria provided, single submitter. Criteria: ACMG Guidelines, 2015. Collection method: clinical testing. Allele origin: unknown.